The following is an entry in ClinVar:

ClinVar aggregate classification (germline): Benign/Likely benign. Review status: criteria provided, multiple submitters, no conflicts (2 of 4 stars). 7 submissions from 7 submitters: Benign (3); Likely benign (3). 1 of the submissions does not count toward it. Last evaluated 2025-09-28.

Conditions:
Blepharophimosis-impaired intellectual development syndrome. Identifiers: Orphanet 637013, MedGen C5443984, MONDO:0859139, OMIM 619293.
Nicolaides-Baraitser syndrome (NCBRS). Also called: SMARCA2-Related Nicolaides-Baraitser Syndrome; Intellectual disability-sparse hair-brachydactyly syndrome. Identifiers: Orphanet 3051, MedGen C1303073, MONDO:0011053, OMIM 601358.
Inborn genetic diseases. Identifiers: MedGen C0950123, MeSH D030342.
SMARCA2-related disorder. Also called: SMARCA2-related condition.

Allele frequency attached by ClinVar (database versions not stated): gnomAD 0.00029 and 0.00040; TOPMed 0.00035; gnomAD exomes 0.00069; ExAC 0.00077; 1000 Genomes Project 30x 0.00234; 1000 Genomes Project 0.00240.
gnomAD v4.1: 283 of 1,613,828 alleles (0.018%); highest among the groups gnomAD compares: East Asian, 0.49%; no homozygotes.

Submissions (7):

Labcorp Genetics (formerly Invitae), Labcorp
Classification: Benign. Last evaluated: 2025-09-28. Review status: criteria provided, single submitter. Criteria: Invitae Variant Classification Sherloc (09022015). Collection method: clinical testing. Allele origin: germline.

Blueprint Genetics
Classification: Likely benign. Last evaluated: 2024-11-21. Review status: criteria provided, single submitter. Criteria: ACMG Guidelines, 2015. Collection method: clinical testing. Allele origin: germline.

Fulgent Genetics
Classification: Likely benign for Nicolaides-Baraitser syndrome; Blepharophimosis-impaired intellectual development syndrome. Last evaluated: 2021-09-17. Review status: criteria provided, single submitter. Criteria: ACMG Guidelines, 2015. Collection method: clinical testing. Allele origin: unknown.

GeneDx
Classification: Benign. Last evaluated: 2019-12-12. Review status: criteria provided, single submitter. Criteria: GeneDx Variant Classification Process June 2021. Collection method: clinical testing. Allele origin: germline. Affected: yes.

Illumina Laboratory Services, Illumina
Classification: Benign for Nicolaides-Baraitser syndrome. Last evaluated: 2018-01-13. Review status: criteria provided, single submitter. Criteria: ICSL Variant Classification Criteria 13 December 2019. Collection method: clinical testing. Allele origin: germline.
Comment: This variant was observed in the ICSL laboratory as part of a predisposition screen in an ostensibly healthy population. It had not been previously curated by ICSL or reported in the Human Gene Mutation Database (HGMD: prior to June 1st, 2018), and was therefore a candidate for classification through an automated scoring system. Utilizing variant allele frequency, disease prevalence and penetrance estimates, and inheritance mode, an automated score was calculated to assess if this variant is too frequent to cause the disease. Based on the score and internal cut-off values, a variant classified as benign is not then subjected to further curation. The score for this variant resulted in a classification of benign for this disease.

Ambry Genetics
Classification: Likely benign for Inborn genetic diseases. Last evaluated: 2016-11-25. Review status: criteria provided, single submitter. Criteria: Ambry Variant Classification Scheme 2023. Collection method: clinical testing. Allele origin: germline.

PreventionGenetics, part of Exact Sciences
Classification: Benign for SMARCA2-related condition. Last evaluated: 2019-10-28. Review status: no assertion criteria provided. Collection method: clinical testing. Allele origin: germline. Not counted in ClinVar's aggregate classification.
Comment: This variant is classified as benign based on ACMG/AMP sequence variant interpretation guidelines (Richards et al. 2015 PMID: 25741868, with internal and published modifications).

NM_003070.5(SMARCA2):c.246C>T (p.Asp82=)

Gene: SMARCA2 (SWI/SNF related BAF chromatin remodeling complex subunit ATPase 2; plus strand). Cytogenetic location: 9p24.3.
Variant type: single nucleotide variant.
Coding change: c.246C>T on transcript NM_003070.5 (MANE Select); coding-DNA position 246, C replaced by T.
Protein change: p.Asp82=; no amino-acid change (aspartic acid 82 retained).
Molecular consequence: synonymous variant.
Genome position (GRCh38, 1-based): chr9:2,032,972, C>T. VCF-style: chr9-2032972-C-T. GRCh37 (hg19) VCF-style: chr9-2032972-C-T.
Other names: c.246C>T (NM_003070.4); c.246C>T, p.Asp82= (NM_001289396.2, NM_001289397.2, NM_139045.4).
Identifiers: ClinVar variation 366195 (VCV000366195.20), dbSNP rs181403075, ClinGen allele CA4962804.
Genomic context (GRCh38, chr9:2,032,972, plus strand): 5'-CTTATAGAGGTGTCTAACTAATGTCCTTTAAATGTTTCAGCCCATCGATGGTATACATGA[C>T]AAGGGGATTGTAGAAGACATCCATTGTGGATCCATGAAGGGCACTGGTATGCGACCACCT-3'
Protein context (NP_003061.3, residues 72-92): QMHKPIDGIH[Asp82=]KGIVEDIHCG